The following is an entry in ClinVar:

ClinVar aggregate classification (germline): Likely benign. Review status: criteria provided, multiple submitters, no conflicts (2 of 4 stars). 2 submissions from 2 submitters: Likely benign (2). Last evaluated 2026-10-01.

Submissions (2):

CeGaT Center for Human Genetics Tuebingen
Classification: Likely benign. Last evaluated: 2026-10-01. Review status: criteria provided, single submitter. Criteria: CeGaT Center For Human Genetics Tuebingen Variant Classification Criteria Version 2. Collection method: clinical testing. Allele origin: germline. Affected: yes. Observed: 1 variant allele.
Comment: IQCE: BP4, BP7, BS1

Blueprint Genetics
Classification: Likely benign. Last evaluated: 2024-10-02. Review status: criteria provided, single submitter. Criteria: ACMG Guidelines, 2015. Collection method: clinical testing. Allele origin: germline.

NM_152558.5(IQCE):c.153G>A (p.Pro51=)

Gene: IQCE (IQ motif containing E; plus strand). Cytogenetic location: 7p22.3.
Variant type: single nucleotide variant.
Coding change: c.153G>A on transcript NM_152558.5 (MANE Select); coding-DNA position 153, G replaced by A.
Protein change: p.Pro51=; no amino-acid change (proline 51 retained).
Molecular consequence: synonymous variant. On other transcripts: 5 prime UTR variant (2).
Genome position (GRCh38, 1-based): chr7:2,571,548, G>A. VCF-style: chr7-2571548-G-A. GRCh37 (hg19) VCF-style: chr7-2611182-G-A.
Other names: c.153G>A, p.Pro51= (NM_001287499.2); c.105G>A, p.Pro35= (NM_001287500.2, NM_001410865.1); c.-43G>A (NM_001287501.2, NM_001287502.2).
Identifiers: ClinVar variation 4895041 (VCV004895041.2).
Genomic context (GRCh38, chr7:2,571,548, plus strand): 5'-TGTCCGGCACCTCTGAATCCACGTGTTGGCTTTTCCAGAGTCACCTTATCTCTCTAAGCC[G>A]AGAAAAGTGGCCTCCTGGAGGTCCCTCAGGACGGCAGGGAGCATGCCTCTGGGCGGCCGA-3'
Protein context (NP_689771.3, residues 41-61): TSPKSPYLSK[Pro51=]RKVASWRSLR